The following is an entry in ClinVar:

NM_001254.4(CDC6):c.206A>G (p.His69Arg)

Gene: CDC6 (cell division cycle 6; plus strand). Cytogenetic location: 17q21.2.
Variant type: single nucleotide variant.
Coding change: c.206A>G on transcript NM_001254.4 (MANE Select); coding-DNA position 206, A replaced by G.
Protein change: p.His69Arg; replaces histidine 69 with arginine.
Molecular consequence: missense variant.
Genome position (GRCh38, 1-based): chr17:40,291,085, A>G. VCF-style: chr17-40291085-A-G. GRCh37 (hg19) VCF-style: chr17-38447337-A-G.
Other names: short protein forms H69R.
Identifiers: ClinVar variation 813610 (VCV000813610.6), dbSNP rs188217621, ClinGen allele CA8541842.

ClinVar aggregate classification (germline): Uncertain significance. Review status: criteria provided, single submitter (1 of 4 stars). 2 submissions from 2 submitters: Uncertain significance (1). 1 of the submissions does not count toward it. Last evaluated 2025-02-25.

Conditions:
Microcephaly. Also called: Microcephaly (disease). Identifiers: MedGen C4551563, MONDO:0001149, HP:0000252.

Allele frequency attached by ClinVar (database versions not stated): gnomAD 0.00004 and 0.00009; TOPMed 0.00006; gnomAD exomes 0.00012 and 0.00019; ExAC 0.00016; 1000 Genomes Project 30x 0.00078; 1000 Genomes Project 0.00080.
gnomAD v4.1: 291 of 1,614,086 alleles (0.018%); highest among the groups gnomAD compares: East Asian, 0.63%; 4 homozygotes.

Submissions (2):

Labcorp Genetics (formerly Invitae), Labcorp
Classification: Uncertain significance. Last evaluated: 2025-02-25. Review status: criteria provided, single submitter. Criteria: Invitae Variant Classification Sherloc (09022015). Collection method: clinical testing. Allele origin: germline.
Comment: This sequence change replaces histidine, which is basic and polar, with arginine, which is basic and polar, at codon 69 of the CDC6 protein (p.His69Arg). This variant is present in population databases (rs188217621, gnomAD 0.2%), and has an allele count higher than expected for a pathogenic variant. This variant has not been reported in the literature in individuals affected with CDC6-related conditions. ClinVar contains an entry for this variant (Variation ID: 813610). An algorithm developed to predict the effect of missense changes on protein structure and function outputs the following: PolyPhen-2: "Benign". The arginine amino acid residue is found in multiple mammalian species, which suggests that this missense change does not adversely affect protein function. In summary, the available evidence is currently insufficient to determine the role of this variant in disease. Therefore, it has been classified as a Variant of Uncertain Significance.

Department of Pediatrics, Samsung Medical Center, Samsung Medical Center
Classification: Uncertain significance for Microcephaly. Review status: no assertion criteria provided. Criteria: ACMG Guidelines, 2015. Collection method: research. Allele origin: germline. Affected: yes. Not counted in ClinVar's aggregate classification.